The following is an entry in ClinVar:

NM_012309.5(SHANK2):c.5176_5177del (p.Leu1726fs)

Gene: SHANK2 (SH3 and multiple ankyrin repeat domains 2; minus strand). Cytogenetic location: 11q13.3.
Variant type: Deletion.
Coding change: c.5176_5177del on transcript NM_012309.5 (MANE Select); coding-DNA positions 5176 to 5177, 2 bases deleted (CT; older notation c.5176_5177delCT).
Protein change: p.Leu1726fs; shifts the reading frame from leucine 1726.
Molecular consequence: frameshift variant. On other transcripts: non-coding transcript variant (1).
Genome position (GRCh38, 1-based): chr11:70,473,242-70,473,243, AG deleted on the plus strand (CT on the coding strand, the reverse complement: SHANK2 is on the minus strand). VCF-style (leftmost placement, unchanged base first): chr11-70473241-CAG-C. GRCh37 (hg19) VCF-style: chr11-70319346-CAG-C.
Other names: c.5176_5177del (NM_012309.3); c.3412_3413delCT (NM_133266.3); c.4039_4040del, p.Leu1347fs (NM_001379226.1); c.3412_3413del, p.Leu1138fs (NM_133266.5); short protein forms L1138fs, L1347fs, L1726fs.
Identifiers: ClinVar variation 1803070 (VCV001803070.4), dbSNP rs2503513136, ClinGen allele CA2574908643.

ClinVar aggregate classification (germline): Pathogenic/Likely pathogenic. Review status: criteria provided, multiple submitters, no conflicts (2 of 4 stars). 3 submissions from 3 submitters: Pathogenic (2); Likely pathogenic (1). Last evaluated 2026-04-27.

Conditions:
Inborn genetic diseases. Identifiers: MedGen C0950123, MeSH D030342.
Autism, susceptibility to, 17. Also called: Autism susceptibility 17. Identifiers: MedGen C3150693, MONDO:0013265, OMIM 613436.

Submissions (3):

Ambry Genetics
Classification: Pathogenic for Inborn genetic diseases. Last evaluated: 2026-04-27. Review status: criteria provided, single submitter. Criteria: Ambry Variant Classification Scheme 2023. Collection method: clinical testing. Allele origin: germline.
Comment: The c.3412_3413delCT (p.L1138Vfs*16) alteration, located in exon 11 (coding exon 11) of the SHANK2 gene, consists of a deletion of 2 nucleotides from position 3412 to 3413, causing a translational frameshift with a predicted alternate stop codon after 16 amino acids. This variant is not expected to trigger nonsense-mediated mRNA decay, and impacts the last 9.8% of the protein. However, premature stop codons are typically deleterious in nature and a significant portion of the protein is affected (Ambry internal data). This variant was not reported in population-based cohorts in the Genome Aggregation Database (gnomAD). This variant was reported in individual(s) with features consistent with SHANK2-related neurodevelopmental disorder; in at least one individual, it was determined to be de novo (Wang, 2021; Kim, 2022; external communication). Based on the available evidence, this alteration is classified as pathogenic.

GeneDx
Classification: Pathogenic. Last evaluated: 2025-06-13. Review status: criteria provided, single submitter. Criteria: GeneDx Variant Classification Process June 2021. Collection method: clinical testing. Allele origin: germline.
Comment: Frameshift variant predicted to result in abnormal protein length as the last 124 amino acids are replaced with 15 different amino acids, and other similar variants have been reported in HGMD; Not observed at significant frequency in large population cohorts (gnomAD); This variant is associated with the following publications: (PMID: 33994118)

Diagnostic Genetics, Severance Hospital, Yonsei University College of Medicine
Classification: Likely pathogenic for Autism, susceptibility to, 17. Last evaluated: 2022-02-03. Review status: criteria provided, single submitter. Criteria: ACMG Guidelines, 2015. Collection method: clinical testing. Allele origin: de novo. Affected: yes.

Literature cited by the submitters: PubMed 33994118 (cited by Ambry Genetics); PubMed 36619507 (cited by Ambry Genetics).